The following is an entry in ClinVar:

NM_130839.5(UBE3A):c.2433_2434del (p.Arg811fs)

Genes: SNHG14 (small nucleolar RNA host gene 14; plus strand), UBE3A (ubiquitin protein ligase E3A; minus strand). Cytogenetic location: 15q11.2.
Variant type: Microsatellite.
Coding change: c.2433_2434del on transcript NM_130839.5 (MANE Select); coding-DNA positions 2433 to 2434, 2 bases deleted (AG; older notation c.2433_2434delAG).
Protein change: p.Arg811fs; shifts the reading frame from arginine 811.
Molecular consequence: frameshift variant. On other transcripts: non-coding transcript variant (1).
Genome position (GRCh38, 1-based): chr15:25,340,149-25,340,150, CT deleted on the plus strand (AG on the coding strand, the reverse complement: UBE3A is on the minus strand); deleting any 2 consecutive bases within chr15:25,340,149-25,340,152 gives the same sequence; the c. name uses the placement nearest the transcript's 3' end. VCF-style (leftmost placement, unchanged base first): chr15-25340148-GCT-G. GRCh37 (hg19) VCF-style: chr15-25585295-GCT-G.
Other names: c.2277_2278del, p.Arg759fs (NM_001354545.2); c.2256_2257del, p.Arg752fs (NM_001354546.2); c.2217_2218del, p.Arg739fs (NM_001354547.2, NM_001354548.2); c.2208_2209del, p.Arg736fs (NM_001354549.2); c.1182_1183del, p.Arg394fs (NM_001354550.2); c.1122_1123del, p.Arg374fs (NM_001354551.2); c.2373_2374del, p.Arg791fs (NM_001374461.1, NM_130838.4, NM_001354543.2 and 14 more transcripts); c.2442_2443del, p.Arg814fs (NM_000462.5); and 1 more; short protein forms R736fs, R791fs, R739fs, R752fs, R814fs, R394fs, R374fs, R759fs.
Identifiers: ClinVar variation 265322 (VCV000265322.2), dbSNP rs886039476, ClinGen allele CA10588579.

ClinVar aggregate classification (germline): Pathogenic (1 of 4 stars; one submission).

Submission:

GeneDx
Classification: Pathogenic. Last evaluated: 2015-04-09. Review status: criteria provided, single submitter. Criteria: GeneDx Variant Classification (06012015). Collection method: clinical testing. Allele origin: germline. Affected: yes.
Comment: The c.2433_2434delAG variant in the UBE3A gene causes a frameshift starting with codon Arginine 811, changes this amino acid to a Serine residue and creates a premature Stop codon at position 31 of the new reading frame, denoted R811SfsX31. This variant is predicted to cause loss of normal protein function through protein truncation, as the last 62 amino acids of the UBE3A protein are lost and replaced with 30 incorrect amino acids. Although this variant has not been previously reported to our knowledge, we interpret this variant to be pathogenic.